The following is an entry in ClinVar:

NM_015164.4(PLEKHM2):c.2475G>C (p.Gln825His)

Gene: PLEKHM2 (pleckstrin homology and RUN domain containing M2; plus strand). Cytogenetic location: 1p36.21.
Variant type: single nucleotide variant.
Coding change: c.2475G>C on transcript NM_015164.4 (MANE Select); coding-DNA position 2475, G replaced by C.
Protein change: p.Gln825His; replaces glutamine 825 with histidine.
Molecular consequence: missense variant.
Genome position (GRCh38, 1-based): chr1:15,731,898, G>C. VCF-style: chr1-15731898-G-C. GRCh37 (hg19) VCF-style: chr1-16058393-G-C.
Other names: c.2415G>C, p.Gln805His (NM_001410755.1); short protein forms Q805H, Q825H.
Identifiers: ClinVar variation 1714954 (VCV001714954.5), dbSNP rs2068148252, ClinGen allele CA338573038.
Genomic context (GRCh38, chr1:15,731,898, plus strand): 5'-CGTGCTGCCCTTGCCTCCTCGCTCCCGTTTCACCCTCCTCCTCTGGCCCAGGGGGGAGCA[G>C]TGCGGTGGCTGCCGGAGAGCCAACACCACGGATCGGCCCCACGCCTTCCAGGTCATTCTC-3'
Protein context (NP_055979.2, residues 815-835): PLLSVNMGGE[Gln825His]CGGCRRANTT

ClinVar aggregate classification (germline): Uncertain significance (1 of 4 stars; one submission).

Allele frequency attached by ClinVar (database versions not stated): gnomAD exomes below 0.00001.
gnomAD v4.1: 1 of 1,610,984 alleles (0.000062%); highest among the groups gnomAD compares: Non-Finnish European, 0.000085%; no homozygotes.

Submission:

Labcorp Genetics (formerly Invitae), Labcorp
Classification: Uncertain significance. Last evaluated: 2022-08-03. Review status: criteria provided, single submitter. Criteria: Invitae Variant Classification Sherloc (09022015). Collection method: clinical testing. Allele origin: germline.
Comment: Algorithms developed to predict the effect of missense changes on protein structure and function are either unavailable or do not agree on the potential impact of this missense change (SIFT: "Tolerated"; PolyPhen-2: "Probably Damaging"; Align-GVGD: "Class C0"). This sequence change replaces glutamine, which is neutral and polar, with histidine, which is basic and polar, at codon 825 of the PLEKHM2 protein (p.Gln825His). This variant is not present in population databases (gnomAD no frequency). This variant has not been reported in the literature in individuals affected with PLEKHM2-related conditions. In summary, the available evidence is currently insufficient to determine the role of this variant in disease. Therefore, it has been classified as a Variant of Uncertain Significance.